The following is an entry in ClinVar:

NM_000051.4(ATM):c.6572+1523dup

Genes: ATM (ATM serine/threonine kinase; plus strand), C11orf65 (chromosome 11 open reading frame 65; minus strand). Cytogenetic location: 11q22.3.
Variant type: Duplication.
Coding change: c.6572+1523dup on transcript NM_000051.4 (MANE Select); 1523 bases into the intron after coding-DNA position 6572, one base duplicated (G; older notation c.6572+1523dupG).
Molecular consequence: intron variant.
Genome position (GRCh38, 1-based): chr11:108,322,943, G duplicated. VCF-style (leftmost placement, unchanged base first): chr11-108322942-A-AG. GRCh37 (hg19) VCF-style: chr11-108193669-A-AG.
Other names: c.6572+1523dup (NM_001351834.2); c.641-13872dup (NM_001330368.2); c.*38+12277dup (NM_001351110.2).
Identifiers: ClinVar variation 2587821 (VCV002587821.3), dbSNP rs2085340429, ClinGen allele CA1998806770.
Genomic context (GRCh38, chr11:108,322,942, plus strand): 5'-ACTAGATAAAAGAAGTGGAAGAGTTGTGTAAGGGCAGCCTTGAGTCTGGCAGGATGACAA[A>AG]GTAAAGTGTTTTGGGTCCTCAGTTTCCTCATTTCTAAAGTCAGGGATTTGTATTCGATGG-3'

ClinVar aggregate classification (germline): Uncertain significance (1 of 4 stars; one submission).

Conditions:
Hereditary cancer-predisposing syndrome. Also called: Hereditary Cancer Syndrome; Hereditary neoplastic syndrome; Neoplastic Syndromes, Hereditary; Tumor predisposition. Identifiers: Orphanet 140162, MedGen C0027672, MeSH D009386, MONDO:0015356.

Allele frequency attached by ClinVar (database versions not stated): TOPMed below 0.00001.

Submission:

Ambry Genetics
Classification: Uncertain significance for Hereditary cancer-predisposing syndrome. Last evaluated: 2024-07-22. Review status: criteria provided, single submitter. Criteria: Ambry Variant Classification Scheme 2023. Collection method: clinical testing. Allele origin: germline.
Comment: The c.6572+1523dupG intronic variant, results from a duplication of two nucleotides at nucleotide position 6572 after intron 44 of the ATM gene. This nucleotide position is conserved on limited sequence alignment. In silico splice site analysis predicts that this alteration will result in the creation or strengthening of a novel splice donor site; however, direct evidence is insufficient at this time (Ambry internal data). Since supporting evidence is limited at this time, the clinical significance of this alteration remains unclear.